The following is an entry in ClinVar:

NM_006136.3(CAPZA2):c.786G>C (p.Leu262Phe)

Gene: CAPZA2 (capping actin protein of muscle Z-line subunit alpha 2; plus strand). Cytogenetic location: 7q31.2.
Variant type: single nucleotide variant.
Coding change: c.786G>C on transcript NM_006136.3 (MANE Select); coding-DNA position 786, G replaced by C.
Protein change: p.Leu262Phe; replaces leucine 262 with phenylalanine.
Molecular consequence: missense variant.
Genome position (GRCh38, 1-based): chr7:116,917,792, G>C. VCF-style: chr7-116917792-G-C. GRCh37 (hg19) VCF-style: chr7-116557846-G-C.
Other names: short protein forms L262F.
Identifiers: ClinVar variation 3766258 (VCV003766258.1).

ClinVar aggregate classification (germline): Uncertain significance (1 of 4 stars; one submission).

Submission:

GeneDx
Classification: Uncertain significance. Last evaluated: 2024-08-28. Review status: criteria provided, single submitter. Criteria: GeneDx Variant Classification Process June 2021. Collection method: clinical testing. Allele origin: germline. Affected: yes.
Comment: Not observed at significant frequency in large population cohorts (gnomAD); In silico analysis supports that this missense variant has a deleterious effect on protein structure/function; Has not been previously published as pathogenic or benign to our knowledge